The following is an entry in ClinVar:

NC_000005.10:g.112707464G>C

Gene: APC (APC regulator of Wnt signaling pathway; plus strand). Cytogenetic location: 5q22.2.
Variant type: single nucleotide variant.
Genome position: GRCh38 VCF-style: chr5-112707464-G-C. GRCh37 (hg19) VCF-style: chr5-112043161-G-C.
Identifiers: ClinVar variation 2165400 (VCV002165400.5), dbSNP rs2531733613, ClinGen allele CA2580072253.

ClinVar aggregate classification (germline): Uncertain significance (1 of 4 stars; one submission).

Conditions:
Familial adenomatous polyposis 1 (FAP1). Also called: POLYPOSIS, ADENOMATOUS INTESTINAL; FAMILIAL ADENOMATOUS POLYPOSIS 1, ATTENUATED. Identifiers: MedGen C2713442, MONDO:0021056, OMIM 175100. Disease mechanism: loss of function.

Submission:

Labcorp Genetics (formerly Invitae), Labcorp
Classification: Uncertain significance for Familial adenomatous polyposis 1. Last evaluated: 2022-06-16. Review status: criteria provided, single submitter. Criteria: Invitae Variant Classification Sherloc (09022015). Collection method: clinical testing. Allele origin: germline.
Comment: This variant occurs in a non-coding region of the APC gene. It does not change the encoded amino acid sequence of the APC protein. This variant is not present in population databases (gnomAD no frequency). This variant has not been reported in the literature in individuals affected with APC-related conditions. Experimental studies and prediction algorithms are not available or were not evaluated, and the functional significance of this variant is currently unknown. In summary, the available evidence is currently insufficient to determine the role of this variant in disease. Therefore, it has been classified as a Variant of Uncertain Significance.